The following is an entry in ClinVar:

ClinVar aggregate classification (germline): Pathogenic. Review status: reviewed by expert panel (3 of 4 stars). 2 submissions from 2 submitters: Pathogenic (1). 1 of the submissions does not count toward it. Last evaluated 2017-12-15.

Conditions:
Hereditary breast ovarian cancer syndrome. Also called: Hereditary breast and ovarian cancer syndrome; Hereditary breast and ovarian cancer; Hereditary breast and ovarian cancer syndrome (HBOC); Breast and ovarian cancer; Hereditary breast and/or ovarian cancer syndrome; BRCA1- and BRCA2-Associated Hereditary Breast and Ovarian Cancer. Identifiers: Orphanet 145, MedGen C0677776, MeSH D061325, MONDO:0003582. Disease mechanism: loss of function.
Breast-ovarian cancer, familial, susceptibility to, 2 (BROVCA2). Also called: BRCA2 Hereditary Breast and Ovarian Cancer. Identifiers: Orphanet 145, MedGen C2675520, MONDO:0012933, OMIM 612555. Disease mechanism: loss of function.

Submissions (2):

Evidence-based Network for the Interpretation of Germline Mutant Alleles (ENIGMA)
Classification: Pathogenic for Breast-ovarian cancer, familial, susceptibility to, 2. Last evaluated: 2017-12-15. Review status: reviewed by expert panel. Criteria: ENIGMA BRCA1/2 Classification Criteria (2017-06-29). Collection method: curation. Allele origin: germline. Study: ENIGMA.
Comment: Variant allele predicted to encode a truncated non-functional protein.

Research Molecular Genetics Laboratory, Women's College Hospital, University of Toronto
Classification: Pathogenic for Hereditary breast ovarian cancer syndrome. Last evaluated: 2014-01-31. Review status: no assertion criteria provided. Collection method: research. Allele origin: germline. Affected: yes. Study: The Canadian Open Genetics Repository (COGR). Not counted in ClinVar's aggregate classification.

NM_000059.4(BRCA2):c.1711_1715del (p.Val572fs)

Gene: BRCA2 (BRCA2 DNA repair associated; plus strand). Cytogenetic location: 13q13.1.
Variant type: Deletion.
Coding change: c.1711_1715del on transcript NM_000059.4 (MANE Select); coding-DNA positions 1711 to 1715, 5 bases deleted (TCTGT; older notation c.1711_1715delTCTGT).
Protein change: p.Val572fs; shifts the reading frame from valine 572.
Molecular consequence: frameshift variant.
Genome position (GRCh38, 1-based): chr13:32,333,189-32,333,193, TCTGT deleted; deleting any 5 consecutive bases within chr13:32,333,188-32,333,193 gives the same sequence; the c. name uses the placement nearest the transcript's 3' end. VCF-style (leftmost placement, unchanged base first): chr13-32333187-ATTCTG-A. GRCh37 (hg19) VCF-style: chr13-32907324-ATTCTG-A.
Other names: c.1710_1714delTTCTG (NM_000059.3); c.1711_1715delTCTGT (NM_000059.3); short protein forms V572fs.
Identifiers: ClinVar variation 51178 (VCV000051178.3), dbSNP rs397507602, ClinGen allele CA012973.